The following continues an entry in ClinVar:

NM_007294.4(BRCA1):c.5319dup (p.Asn1774fs)

Gene: BRCA1. ClinVar aggregate classification (germline): Pathogenic. Pathogenic (1).

Submissions 10 to 17 of 17:

Women's Health and Genetics/Laboratory Corporation of America, LabCorp
Classification: Pathogenic for Hereditary breast and ovarian cancer syndrome. Last evaluated: 2019-05-03. Review status: criteria provided, single submitter. Criteria: LabCorp Variant Classification Summary - May 2015. Collection method: clinical testing. Allele origin: germline. Not counted in ClinVar's aggregate classification.
Comment: Variant summary: BRCA1 c.5319dupC (p.Asn1774GlnfsX56) results in a premature termination codon, predicted to cause a truncation of the encoded protein or absence of the protein due to nonsense mediated decay, which are commonly known mechanisms for disease. Truncations downstream of this position have been classified as pathogenic by our laboratory. The variant was absent in 251376 control chromosomes. c.5319dupC has been reported in the literature in multiple individuals affected with Hereditary Breast and Ovarian Cancer (Castilla_1994, Judkins_2005, Holter_2015, Azzollini_2016, Cardoso_2018). These data indicate that the variant is very likely to be associated with disease. To our knowledge, no experimental evidence demonstrating an impact on protein function has been reported. Five submitters including an expert panel (ENIGMA) have provided clinical-significance assessments for this variant to ClinVar after 2014 without evidence for independent evaluation. All submitters classified the variant as pathogenic. Based on the evidence outlined above, the variant was classified as pathogenic.

Consortium of Investigators of Modifiers of BRCA1/2 (CIMBA), c/o University of Cambridge
Classification: Pathogenic for Breast-ovarian cancer, familial, susceptibility to, 1. Last evaluated: 2015-10-02. Review status: criteria provided, single submitter. Criteria: CIMBA Mutation Classification guidelines May 2016. Collection method: clinical testing. Allele origin: germline. Not counted in ClinVar's aggregate classification.

Department of Pathology and Laboratory Medicine, Sinai Health System
Classification: Pathogenic for Hereditary breast ovarian cancer syndrome. Last evaluated: 2014-07-03. Review status: criteria provided, single submitter. Criteria: ACMG Guidelines, 2015. Collection method: clinical testing. Allele origin: germline. Affected: yes. Study: The Canadian Open Genetics Repository (COGR). Not counted in ClinVar's aggregate classification.

Research Molecular Genetics Laboratory, Women's College Hospital, University of Toronto
Classification: Pathogenic for Hereditary breast ovarian cancer syndrome. Last evaluated: 2014-01-31. Review status: no assertion criteria provided. Collection method: research. Allele origin: germline. Affected: yes. Study: The Canadian Open Genetics Repository (COGR). Not counted in ClinVar's aggregate classification.

Sharing Clinical Reports Project (SCRP)
Classification: Pathogenic for Breast-ovarian cancer, familial 1. Last evaluated: 2012-11-28. Review status: no assertion criteria provided. Collection method: clinical testing. Allele origin: germline. Not counted in ClinVar's aggregate classification.

Foulkes Cancer Genetics LDI, Lady Davis Institute for Medical Research
Classification: Pathogenic for Breast and/or ovarian cancer. Last evaluated: 2009-09-04. Review status: no assertion criteria provided. Collection method: clinical testing. Allele origin: germline. Study: The Canadian Open Genetics Repository (COGR). Not counted in ClinVar's aggregate classification.

Breast Cancer Information Core (BIC) (BRCA1)
Classification: Pathogenic for Breast-ovarian cancer, familial 1. Last evaluated: 2004-02-20. Review status: no assertion criteria provided. Collection method: clinical testing. Allele origin: germline. Affected: yes. Observed: 11 variant alleles. Not counted in ClinVar's aggregate classification.

OMIM
Classification: Pathogenic for BREAST-OVARIAN CANCER, FAMILIAL, SUSCEPTIBILITY TO, 1. Last evaluated: 1994-12-01. Review status: no assertion criteria provided. Collection method: literature only. Allele origin: germline. Not counted in ClinVar's aggregate classification.

Literature cited by the submitters: PubMed 20104584 (cited by Labcorp Genetics (formerly Invitae), Labcorp); PubMed 7894491 (cited by 7 submitters); PubMed 11938448 (cited by Labcorp Genetics (formerly Invitae), Labcorp and Quest Diagnostics Nichols Institute San Juan Capistrano); PubMed 18779604 (cited by 4 submitters); PubMed 25940717 (cited by 6 submitters); PubMed 27062684 (cited by 5 submitters); PubMed 16931905 (cited by Ambry Genetics); PubMed 16912212 (cited by All of Us Research Program, National Institutes of Health and Color Diagnostics, LLC DBA Color Health); PubMed 30103829 (cited by 5 submitters); PubMed 32438681 (cited by Quest Diagnostics Nichols Institute San Juan Capistrano); PubMed 16267036 (cited by Quest Diagnostics Nichols Institute San Juan Capistrano and Women's Health and Genetics/Laboratory Corporation of America, LabCorp); PubMed 26295337 (cited by Quest Diagnostics Nichols Institute San Juan Capistrano).